The following is an entry in ClinVar:

NM_152703.5(SAMD9L):c.1855A>C (p.Ser619Arg)

Gene: SAMD9L (sterile alpha motif domain containing 9 like; minus strand). Cytogenetic location: 7q21.2.
Variant type: single nucleotide variant.
Coding change: c.1855A>C on transcript NM_152703.5 (MANE Select); coding-DNA position 1855, A replaced by C.
Protein change: p.Ser619Arg; replaces serine 619 with arginine.
Molecular consequence: missense variant.
Genome position (GRCh38, 1-based): chr7:93,134,117, T>G on the plus strand (A>C on the coding strand, the complement: SAMD9L is on the minus strand). VCF-style: chr7-93134117-T-G. GRCh37 (hg19) VCF-style: chr7-92763430-T-G.
Other names: c.1855A>C, p.Ser619Arg (NM_001303496.3, NM_001303497.3, NM_001303498.3 and 5 more transcripts); short protein forms S619R.
Identifiers: ClinVar variation 3949984 (VCV003949984.1).

ClinVar aggregate classification (germline): Uncertain significance (1 of 4 stars; one submission).

Conditions:
Inborn genetic diseases. Identifiers: MedGen C0950123, MeSH D030342.

Submission:

Ambry Genetics
Classification: Uncertain significance for Inborn genetic diseases. Last evaluated: 2025-05-31. Review status: criteria provided, single submitter. Criteria: Ambry Variant Classification Scheme 2023. Collection method: clinical testing. Allele origin: germline.
Comment: The p.S619R variant (also known as c.1855A>C), located in coding exon 1 of the SAMD9L gene, results from an A to C substitution at nucleotide position 1855. The serine at codon 619 is replaced by arginine, an amino acid with dissimilar properties. This amino acid position is conserved. In addition, this alteration is predicted to be tolerated by in silico analysis. Based on the available evidence, the clinical significance of this variant remains unclear.